The following is an entry in ClinVar:

NM_000180.4(GUCY2D):c.101C>T (p.Pro34Leu)

Gene: GUCY2D (guanylate cyclase 2D, retinal; plus strand). Cytogenetic location: 17p13.1.
Variant type: single nucleotide variant.
Coding change: c.101C>T on transcript NM_000180.4 (MANE Select); coding-DNA position 101, C replaced by T.
Protein change: p.Pro34Leu; replaces proline 34 with leucine.
Molecular consequence: missense variant.
Genome position (GRCh38, 1-based): chr17:8,003,148, C>T. VCF-style: chr17-8003148-C-T. GRCh37 (hg19) VCF-style: chr17-7906466-C-T.
Other names: NM_000180.4:c.101C>T; short protein forms P34L.
Identifiers: ClinVar variation 5042542 (VCV005042542.1).

ClinVar aggregate classification (germline): Uncertain significance (3 of 4 stars; one submission).

Conditions:
GUCY2D-related recessive retinopathy. Also called: Recessive GUCY2D retinopathy. Identifiers: MedGen CN305603, MONDO:0100453.

Submission:

ClinGen Leber Congenital Amaurosis/early Onset Retinal Dystrophy Variant Curation Expert Panel, ClinGen
Classification: Uncertain significance for GUCY2D-related recessive retinopathy. Last evaluated: 2026-11-06. Review status: reviewed by expert panel. Criteria: ClinGen LCAeoRD ACMG Specifications GUCY2D V1.0.0. Collection method: curation. Allele origin: germline. Inheritance: Autosomal recessive inheritance.
Comment: The NM_000180.4(GUCY2D):c.101C>T (p.Pro34Leu) located in exon 2 of 20 causes the replacement of a proline with a leucine at residue p.34. This variant is present in gnomAD v.4.1.2 at a total allele frequency of 0.622e-7, with 1 allele / 1510153 total alleles, which is lower than the ClinGen LCA/eoRD VCEP PM2_Supporting threshold of <0.0004 (PM2_Supporting). The computational predictor REVEL gives a score of 0.198, which is below the ClinGen LCA/eoRD VCEP threshold of ≤0.290 and predicts a non-damaging effect on RetGC-1 protein function. In addition, the splicing impact predictor SpliceAI gives a delta score of 0.02, which is below the ClinGen LCA/eoRD VCEP recommended threshold of <0.1 and does not predict an impact on splicing (BP4). At least one proband harboring this variant exhibits a phenotype including cone-rod dystrophy (0.5), decreased central vision acuity (1), and was tested by an ocular gene panel (2), which are not sufficiently specific for GUCY2D-related recessive retinopathy. In summary, this variant meets the criteria to be classified as Variant of Unknown Significance for GUCY2D-related recessive retinopathy based on the ACMG/AMP criteria applied, as specified by the ClinGen LCA/eoRD VCEP: PM2_Supporting, BP4. (VCEP specifications version 1.0.0)